The following is an entry in ClinVar:

NM_000302.4(PLOD1):c.534C>T (p.Ser178=)

Gene: PLOD1 (procollagen-lysine,2-oxoglutarate 5-dioxygenase 1; plus strand). Cytogenetic location: 1p36.22.
Variant type: single nucleotide variant.
Coding change: c.534C>T on transcript NM_000302.4 (MANE Select); coding-DNA position 534, C replaced by T.
Protein change: p.Ser178=; no amino-acid change (serine 178 retained).
Molecular consequence: synonymous variant.
Genome position (GRCh38, 1-based): chr1:11,952,690, C>T. VCF-style: chr1-11952690-C-T. GRCh37 (hg19) VCF-style: chr1-12012747-C-T.
Other names: c.675C>T, p.Ser225= (NM_001316320.2).
Identifiers: ClinVar variation 520104 (VCV000520104.16), dbSNP rs113384442, ClinGen allele CA597930.

ClinVar aggregate classification (germline): Likely benign. Review status: criteria provided, multiple submitters, no conflicts (2 of 4 stars). 3 submissions from 3 submitters: Likely benign (2). 1 of the submissions does not count toward it. Last evaluated 2025-09-25.

Conditions:
PLOD1-related disorder. Also called: PLOD1-related condition.
Ehlers-Danlos syndrome, kyphoscoliotic type 1 (EDSKSCL1). Also called: EHLERS-DANLOS SYNDROME, OCULAR-SCOLIOTIC TYPE; Ehlers-Danlos syndrome, hydroxylysine-deficient; PLOD1-Related Kyphoscoliotic Ehlers-Danlos Syndrome; EHLERS-DANLOS SYNDROME, TYPE VIA. Identifiers: Orphanet 1900, MedGen C0268342, MONDO:0016002, OMIM 225400. Disease mechanism: loss of function.
Familial thoracic aortic aneurysm and aortic dissection (TAAD). Also called: Thoracic aortic aneurysms and dissections. Identifiers: Orphanet 91387, MedGen C4707243, MONDO:0019625.

Allele frequency attached by ClinVar (database versions not stated): gnomAD 0.00006; TOPMed 0.00009; ESP Exome Variant Server 0.00015; 1000 Genomes Project 30x 0.00016; 1000 Genomes Project 0.00020.
gnomAD v4.1: 37 of 1,613,956 alleles (0.0023%); highest among the groups gnomAD compares: African/African-American, 0.027%; no homozygotes.

Submissions (3):

Labcorp Genetics (formerly Invitae), Labcorp
Classification: Likely benign for Ehlers-Danlos syndrome, kyphoscoliotic type 1. Last evaluated: 2025-09-25. Review status: criteria provided, single submitter. Criteria: Invitae Variant Classification Sherloc (09022015). Collection method: clinical testing. Allele origin: germline.

Ambry Genetics
Classification: Likely benign for Familial thoracic aortic aneurysm and aortic dissection. Last evaluated: 2016-04-05. Review status: criteria provided, single submitter. Criteria: Ambry Variant Classification Scheme 2023. Collection method: clinical testing. Allele origin: germline.

PreventionGenetics, part of Exact Sciences
Classification: Likely benign for PLOD1-related condition. Last evaluated: 2019-05-01. Review status: no assertion criteria provided. Collection method: clinical testing. Allele origin: germline. Not counted in ClinVar's aggregate classification.
Comment: This variant is classified as likely benign based on ACMG/AMP sequence variant interpretation guidelines (Richards et al. 2015 PMID: 25741868, with internal and published modifications).